The following is an entry in ClinVar:

NM_003458.4(BSN):c.11166G>A (p.Lys3722=)

Gene: BSN (bassoon presynaptic cytomatrix protein; plus strand). Cytogenetic location: 3p21.31.
Variant type: single nucleotide variant.
Coding change: c.11166G>A on transcript NM_003458.4 (MANE Select); coding-DNA position 11166, G replaced by A.
Protein change: p.Lys3722=; no amino-acid change (lysine 3722 retained).
Molecular consequence: synonymous variant.
Genome position (GRCh38, 1-based): chr3:49,663,324, G>A. VCF-style: chr3-49663324-G-A. GRCh37 (hg19) VCF-style: chr3-49700757-G-A.
Identifiers: ClinVar variation 3048129 (VCV003048129.2), dbSNP rs148252432, ClinGen allele CA2401442.

ClinVar aggregate classification (germline): Likely benign (0 of 4 stars; one submission).

Conditions:
BSN-related disorder. Also called: BSN-related condition.

Allele frequency attached by ClinVar (database versions not stated): ExAC 0.00012; TOPMed 0.00019; gnomAD 0.00020; ESP Exome Variant Server 0.00031; 1000 Genomes Project 0.00040; 1000 Genomes Project 30x 0.00047.
gnomAD v4.1: 537 of 1,613,924 alleles (0.033%); highest among the groups gnomAD compares: Non-Finnish European, 0.043%; 1 homozygote.

Submission:

PreventionGenetics, part of Exact Sciences
Classification: Likely benign for BSN-related condition. Last evaluated: 2019-04-02. Review status: no assertion criteria provided. Collection method: clinical testing. Allele origin: germline.
Comment: This variant is classified as likely benign based on ACMG/AMP sequence variant interpretation guidelines (Richards et al. 2015 PMID: 25741868, with internal and published modifications).